The following is an entry in ClinVar:

NM_000548.5(TSC2):c.4274G>C (p.Gly1425Ala)

Gene: TSC2 (TSC complex subunit 2; plus strand). Cytogenetic location: 16p13.3.
Variant type: single nucleotide variant.
Coding change: c.4274G>C on transcript NM_000548.5 (MANE Select); coding-DNA position 4274, G replaced by C.
Protein change: p.Gly1425Ala; replaces glycine 1425 with alanine.
Molecular consequence: missense variant. On other transcripts: non-coding transcript variant (5).
Genome position (GRCh38, 1-based): chr16:2,084,496, G>C. VCF-style: chr16-2084496-G-C. GRCh37 (hg19) VCF-style: chr16-2134497-G-C.
Other names: c.3476G>C, p.Gly1159Ala (NM_001406685.1, NM_001406686.1); c.3473G>C, p.Gly1158Ala (NM_001406687.1, NM_001406688.1); c.2861G>C, p.Gly954Ala (NM_001406689.1); c.2801G>C, p.Gly934Ala (NM_001406690.1); c.2798G>C, p.Gly933Ala (NM_001406691.1); c.2732G>C, p.Gly911Ala (NM_001406692.1, NM_001406693.1, NM_001406694.1); c.2729G>C, p.Gly910Ala (NM_001406695.1, NM_001406696.1, NM_001406697.1); c.2471G>C, p.Gly824Ala (NM_001406698.1); and 26 more; short protein forms G1201A, G1225A, G1322A, G1352A, G1382A, G1399A, G954A, G1181A.
Identifiers: ClinVar variation 3329514 (VCV003329514.1).
Genomic context (GRCh38, chr16:2,084,496, plus strand): 5'-CCGACGTGGGCCGGCTGAGCCCTGAGGTTAAGGCCCGGTCACAGTCAGGGACCCTGGACG[G>C]GGAAAGTGCTGCCTGGTCGGCCTCGGGCGAAGACAGTCGGGGCCAGCCCGAGGGTCCCTT-3'
Protein context (NP_000539.2, residues 1415-1435): KARSQSGTLD[Gly1425Ala]ESAAWSASGE

ClinVar aggregate classification (germline): Uncertain significance (1 of 4 stars; one submission).

Conditions:
Hereditary cancer-predisposing syndrome. Also called: Neoplastic Syndromes, Hereditary; Tumor predisposition; Hereditary neoplastic syndrome; Hereditary Cancer Syndrome. Identifiers: Orphanet 140162, MedGen C0027672, MeSH D009386, MONDO:0015356.

Submission:

Ambry Genetics
Classification: Uncertain significance for Hereditary cancer-predisposing syndrome. Last evaluated: 2024-05-10. Review status: criteria provided, single submitter. Criteria: Ambry Variant Classification Scheme 2023. Collection method: clinical testing. Allele origin: germline.
Comment: The p.G1425A variant (also known as c.4274G>C), located in coding exon 33 of the TSC2 gene, results from a G to C substitution at nucleotide position 4274. The glycine at codon 1425 is replaced by alanine, an amino acid with similar properties. This amino acid position is conserved. In addition, the in silico prediction for this alteration is inconclusive. Based on the available evidence, the clinical significance of this variant remains unclear.